The following is an entry in ClinVar:

NM_000143.4(FH):c.555+4A>T

Gene: FH (fumarate hydratase; minus strand). Cytogenetic location: 1q43.
Variant type: single nucleotide variant.
Coding change: c.555+4A>T on transcript NM_000143.4 (MANE Select); 4 bases into the intron after coding-DNA position 555, A replaced by T.
Molecular consequence: intron variant.
Genome position (GRCh38, 1-based): chr1:241,511,963, T>A on the plus strand (A>T on the coding strand, the complement: FH is on the minus strand). VCF-style: chr1-241511963-T-A. GRCh37 (hg19) VCF-style: chr1-241675263-T-A.
Identifiers: ClinVar variation 3624484 (VCV003624484.2).

ClinVar aggregate classification (germline): Uncertain significance (1 of 4 stars; one submission).

gnomAD v4.1: 1 of 1,613,856 alleles (0.000062%); highest among the groups gnomAD compares: Non-Finnish European, 0.000085%; no homozygotes.

Submission:

Labcorp Genetics (formerly Invitae), Labcorp
Classification: Uncertain significance. Last evaluated: 2024-04-22. Review status: criteria provided, single submitter. Criteria: Invitae Variant Classification Sherloc (09022015). Collection method: clinical testing. Allele origin: germline.
Comment: This sequence change falls in intron 4 of the FH gene. It does not directly change the encoded amino acid sequence of the FH protein. It affects a nucleotide within the consensus splice site. This variant is present in population databases (rs776240700, gnomAD 0.0009%). This variant has not been reported in the literature in individuals affected with FH-related conditions. Variants that disrupt the consensus splice site are a relatively common cause of aberrant splicing (PMID: 17576681, 9536098). Algorithms developed to predict the effect of sequence changes on RNA splicing suggest that this variant is not likely to affect RNA splicing. In summary, the available evidence is currently insufficient to determine the role of this variant in disease. Therefore, it has been classified as a Variant of Uncertain Significance.

Literature cited by the submitters: PubMed 17576681; PubMed 9536098.